The following is an entry in ClinVar:

ClinVar aggregate classification (germline): Pathogenic (1 of 4 stars; one submission).

Conditions:
Cone-rod dystrophy 2 (CORD2). Also called: CONE-ROD RETINAL DYSTROPHY; Cone-rod retinal dystrophy 2. Identifiers: Orphanet 1872, MedGen C3489532, MONDO:0007362, OMIM 120970.
Leber congenital amaurosis 7 (LCA7). Identifiers: Orphanet 65, MedGen C3151192, MONDO:0013449, OMIM 613829.

Submission:

Labcorp Genetics (formerly Invitae), Labcorp
Classification: Pathogenic for Cone-rod dystrophy 2; Leber congenital amaurosis 7. Last evaluated: 2024-04-17. Review status: criteria provided, single submitter. Criteria: Invitae Variant Classification Sherloc (09022015). Collection method: clinical testing. Allele origin: germline.
Comment: This sequence change creates a premature translational stop signal (p.Gly110Alafs*77) in the CRX gene. While this is not anticipated to result in nonsense mediated decay, it is expected to disrupt the last 190 amino acid(s) of the CRX protein. This variant is not present in population databases (gnomAD no frequency). This variant has not been reported in the literature in individuals affected with CRX-related conditions. ClinVar contains an entry for this variant (Variation ID: 1370793). This variant disrupts a region of the CRX protein in which other variant(s) (p.Tyr258*) have been determined to be pathogenic (PMID: 22968130, 25270190). This suggests that this is a clinically significant region of the protein, and that variants that disrupt it are likely to be disease-causing. For these reasons, this variant has been classified as Pathogenic.

Literature cited by the submitters: PubMed 22968130; PubMed 25270190.

NM_000554.6(CRX):c.324del (p.Gly110fs)

Gene: CRX (cone-rod homeobox; plus strand). Cytogenetic location: 19q13.33.
Variant type: Deletion.
Coding change: c.324del on transcript NM_000554.6 (MANE Select); coding-DNA position 324, one base deleted (A; older notation c.324delA).
Protein change: p.Gly110fs; shifts the reading frame from glycine 110.
Molecular consequence: frameshift variant.
Genome position (GRCh38, 1-based): chr19:47,839,391, A deleted. VCF-style (leftmost placement, unchanged base first): chr19-47839390-CA-C. GRCh37 (hg19) VCF-style: chr19-48342647-CA-C.
Other names: short protein forms G110fs.
Identifiers: ClinVar variation 1370793 (VCV001370793.6), dbSNP rs2123742895, ClinGen allele CA2573156487.